The following is an entry in ClinVar:

ClinVar aggregate classification (germline): Benign/Likely benign. Review status: criteria provided, multiple submitters, no conflicts (2 of 4 stars). 4 submissions from 4 submitters: Benign (1); Likely benign (3). Last evaluated 2026-06-23.

Conditions:
Hereditary cancer-predisposing syndrome. Also called: Neoplastic Syndromes, Hereditary; Tumor predisposition; Hereditary Cancer Syndrome; Hereditary neoplastic syndrome. Identifiers: Orphanet 140162, MedGen C0027672, MeSH D009386, MONDO:0015356.
Retinoblastoma (RB1). Also called: RETINOBLASTOMA, SOMATIC. Identifiers: Orphanet 790, MedGen C0035335, MeSH D012175, MONDO:0008380, OMIM 180200, HP:0009919. Disease mechanism: loss of function. Inheritance: Both sporadic and heritable forms are tested..

Allele frequency attached by ClinVar (database versions not stated): gnomAD 0.00001; TOPMed 0.00001.

Submissions (4):

Myriad Genetics, Inc.
Classification: Benign for Retinoblastoma. Last evaluated: 2026-06-23. Review status: criteria provided, single submitter. Criteria: Myriad Autosomal Dominant, Autosomal Recessive and X-Linked Classification Criteria (2023). Collection method: clinical testing. Allele origin: unknown.
Comment: This variant is considered benign. This variant is a silent/synonymous amino acid change and it is not expected to impact splicing.

Labcorp Genetics (formerly Invitae), Labcorp
Classification: Likely benign for Retinoblastoma. Last evaluated: 2026-01-26. Review status: criteria provided, single submitter. Criteria: Invitae Variant Classification Sherloc (09022015). Collection method: clinical testing. Allele origin: germline.

All of Us Research Program, National Institutes of Health
Classification: Likely benign for Retinoblastoma. Last evaluated: 2024-04-16. Review status: criteria provided, single submitter. Criteria: ACMG Guidelines, 2015. Collection method: clinical testing. Allele origin: germline. Inheritance: Autosomal dominant inheritance. Observed: 1 variant allele, 1 heterozygote.
Comment: This study involves interpretation of variants in research participants for the purpose of population health screening. Participant phenotype was not available at the time of variant classification. Additional details can be found in publication PMID: 35346344, PMCID: PMC8962531

Ambry Genetics
Classification: Likely benign for Hereditary cancer-predisposing syndrome. Last evaluated: 2021-04-01. Review status: criteria provided, single submitter. Criteria: Ambry Variant Classification Scheme 2023. Collection method: clinical testing. Allele origin: germline.

NM_000321.3(RB1):c.78G>C (p.Pro26=)

Gene: RB1 (RB transcriptional corepressor 1; plus strand). Cytogenetic location: 13q14.2.
Variant type: single nucleotide variant.
Coding change: c.78G>C on transcript NM_000321.3 (MANE Select); coding-DNA position 78, G replaced by C.
Protein change: p.Pro26=; no amino-acid change (proline 26 retained).
Molecular consequence: synonymous variant.
Genome position (GRCh38, 1-based): chr13:48,303,990, G>C. VCF-style: chr13-48303990-G-C. GRCh37 (hg19) VCF-style: chr13-48878126-G-C.
Identifiers: ClinVar variation 1581962 (VCV001581962.12), dbSNP rs1389899415, ClinGen allele CA483711624.